The following is an entry in ClinVar:

NM_001166114.2(PNPLA6):c.647C>T (p.Pro216Leu)

Gene: PNPLA6 (patatin like domain 6, lysophospholipase; plus strand). Cytogenetic location: 19p13.2.
Variant type: single nucleotide variant.
Coding change: c.647C>T on transcript NM_001166114.2 (MANE Select); coding-DNA position 647, C replaced by T.
Protein change: p.Pro216Leu; replaces proline 216 with leucine.
Molecular consequence: missense variant.
Genome position (GRCh38, 1-based): chr19:7,540,241, C>T. VCF-style: chr19-7540241-C-T. GRCh37 (hg19) VCF-style: chr19-7605127-C-T.
Other names: c.674C>T, p.Pro225Leu (NM_001166111.2); c.530C>T, p.Pro177Leu (NM_001166112.2, NM_001166113.1, NM_006702.5); c.530C>T (NM_006702.4); short protein forms P216L, P177L, P225L.
Identifiers: ClinVar variation 689693 (VCV000689693.6), dbSNP rs777837588, ClinGen allele CA9139523.

ClinVar aggregate classification (germline): Uncertain significance. Review status: criteria provided, multiple submitters, no conflicts (2 of 4 stars). 3 submissions from 3 submitters: Uncertain significance (3). Last evaluated 2025-01-09.

Conditions:
Inborn genetic diseases. Identifiers: MedGen C0950123, MeSH D030342.
Marfanoid habitus and intellectual disability. Identifiers: MedGen CN263130.
Hereditary spastic paraplegia 39 (SPG39). Also called: Spastic Paraplegia Type 39 (SPG39); SPASTIC PARAPLEGIA 39, AUTOSOMAL RECESSIVE. Identifiers: Orphanet 139480, MedGen C2677586, MONDO:0012787, OMIM 612020.

Allele frequency attached by ClinVar (database versions not stated): gnomAD exomes below 0.00001; gnomAD 0.00001; ExAC 0.00002.
gnomAD v4.1: 6 of 1,609,180 alleles (0.00037%); highest among the groups gnomAD compares: East Asian, 0.0045%; no homozygotes.

Submissions (3):

Ambry Genetics
Classification: Uncertain significance for Inborn genetic diseases. Last evaluated: 2025-01-09. Review status: criteria provided, single submitter. Criteria: Ambry Variant Classification Scheme 2023. Collection method: clinical testing. Allele origin: germline.

Labcorp Genetics (formerly Invitae), Labcorp
Classification: Uncertain significance for Hereditary spastic paraplegia 39. Last evaluated: 2022-08-22. Review status: criteria provided, single submitter. Criteria: Invitae Variant Classification Sherloc (09022015). Collection method: clinical testing. Allele origin: germline.
Comment: In summary, the available evidence is currently insufficient to determine the role of this variant in disease. Therefore, it has been classified as a Variant of Uncertain Significance. Algorithms developed to predict the effect of missense changes on protein structure and function are either unavailable or do not agree on the potential impact of this missense change (SIFT: "Tolerated"; PolyPhen-2: "Probably Damaging"; Align-GVGD: "Class C0"). ClinVar contains an entry for this variant (Variation ID: 689693). This variant has not been reported in the literature in individuals affected with PNPLA6-related conditions. This variant is present in population databases (rs777837588, gnomAD 0.01%). This sequence change replaces proline, which is neutral and non-polar, with leucine, which is neutral and non-polar, at codon 177 of the PNPLA6 protein (p.Pro177Leu).

Equipe Genetique des Anomalies du Developpement, Université de Bourgogne
Classification: Uncertain significance for Marfanoid habitus and intellectual disability. Review status: criteria provided, single submitter. Criteria: ACMG Guidelines, 2015. Collection method: research. Allele origin: de novo. Affected: yes.